The following is an entry in ClinVar:

ClinVar aggregate classification (germline): Pathogenic (1 of 4 stars; one submission).

Conditions:
Congenital afibrinogenemia. Identifiers: Orphanet 335, Orphanet 98880, MedGen C2584774, MONDO:0008737, OMIM 202400.

Submission:

Kasturba Medical College, Manipal, Kasturba Medical College, Manipal, Manipal Academy of Higher Education, Manipal, India
Classification: Pathogenic for Congenital afibrinogenemia. Review status: criteria provided, single submitter. Criteria: ACMG Guidelines, 2015. Collection method: research. Allele origin: biparental. Inheritance: Autosomal recessive inheritance. Affected: yes. Observed: 1 homozygote.
Comment: A known stopgain variant, c.180G>A in exon 2 of the FGA was identified in the homozygous state in Proband (Mukaddam et al., 2015).

Literature cited by the submitters: PubMed 26278915.

NM_021871.4(FGA):c.180G>A (p.Trp60Ter)

Gene: FGA (fibrinogen alpha chain; minus strand). Cytogenetic location: 4q31.3.
Variant type: single nucleotide variant.
Coding change: c.180G>A on transcript NM_021871.4 (MANE Select); coding-DNA position 180, G replaced by A.
Protein change: p.Trp60Ter; replaces tryptophan 60 with a stop codon.
Molecular consequence: nonsense.
Genome position (GRCh38, 1-based): chr4:154,589,437, C>T on the plus strand (G>A on the coding strand, the complement: FGA is on the minus strand). VCF-style: chr4-154589437-C-T. GRCh37 (hg19) VCF-style: chr4-155510589-C-T.
Other names: c.180G>A, p.Trp60Ter (NM_000508.5); short protein forms W60*.
Identifiers: ClinVar variation 3544392 (VCV003544392.2).